The following is an entry in ClinVar:

ClinVar aggregate classification (germline): Likely pathogenic (1 of 4 stars; one submission).

Conditions:
Intellectual disability, autosomal dominant 16 (CSS4). Also called: COFFIN-SIRIS SYNDROME 4. Identifiers: Orphanet 1465, MedGen C3553249, MONDO:0013821, OMIM 614609.

Submission:

Victorian Clinical Genetics Services, Murdoch Childrens Research Institute
Classification: Likely pathogenic for Intellectual disability, autosomal dominant 16. Last evaluated: 2026-05-22. Review status: criteria provided, single submitter. Criteria: ACMG Guidelines, 2015. Collection method: clinical testing. Allele origin: germline. Affected: yes.
Comment: This variant is classified as Likely pathogenic. Evidence in support of pathogenic classification: Variant is absent from gnomAD (v2, v3 and v4); Missense variant predicted to be damaging by in silico tool(s) or highly conserved with a major amino acid change; Additional information: Variant is predicted to result in a missense amino acid change from Ile to Asn; This variant is heterozygous; This gene is associated with autosomal dominant disease; Alternative amino acid change(s) at the same position are present in gnomAD (highest allele count: v4: 7 heterozygote(s), 0 homozygote(s)); This variant has no previous evidence of pathogenicity; No published evidence of segregation with disease has been identified for this variant; No published functional evidence has been identified for this variant; Another missense variant comparable to the one identified in this case has inconclusive previous evidence for pathogenicity. The p.(Ile1151Val) variant has been classified as a VUS by a clinical laboratory in ClinVar; Variant is located in the annotated helicase conserved C-terminal domain (DECIPHER); Dominant negative or gain of function are likely mechanisms of disease in this gene and are associated with Coffin-Siris syndrome 4 (MIM#614609) (PMID: 23556151). Susceptibility to rhabdoid tumor predisposition syndrome 2 (MIM#613325) is associated with loss of function variants (OMIM, PMID: 22426308).

Literature cited by the submitters: PubMed 22426308; PubMed 23556151.

NM_003072.5(SMARCA4):c.3452T>A (p.Ile1151Asn)

Gene: SMARCA4 (SWI/SNF related BAF chromatin remodeling complex subunit ATPase 4; plus strand). Cytogenetic location: 19p13.2.
Variant type: single nucleotide variant.
Coding change: c.3452T>A on transcript NM_003072.5 (MANE Select); coding-DNA position 3452, T replaced by A.
Protein change: p.Ile1151Asn; replaces isoleucine 1151 with asparagine.
Molecular consequence: missense variant. On other transcripts: non-coding transcript variant (1).
Genome position (GRCh38, 1-based): chr19:11,030,799, T>A. VCF-style: chr19-11030799-T-A. GRCh37 (hg19) VCF-style: chr19-11141475-T-A.
Other names: c.3452T>A, p.Ile1151Asn (NM_001128844.3, NM_001128845.2, NM_001128846.2 and 6 more transcripts); short protein forms I1151N.
Identifiers: ClinVar variation 4879662 (VCV004879662.1).